The following is an entry in ClinVar:

ClinVar aggregate classification (germline): Uncertain significance. Review status: criteria provided, multiple submitters, no conflicts (2 of 4 stars). 3 submissions from 3 submitters: Uncertain significance (3). Last evaluated 2025-04-12.

Conditions:
Inborn genetic diseases. Identifiers: MedGen C0950123, MeSH D030342.
Myasthenic syndrome, congenital, 22 (CMS22). Also called: PREPL DEFICIENCY. Identifiers: MedGen C4479088, MONDO:0044299, OMIM 616224.

Allele frequency attached by ClinVar (database versions not stated): gnomAD exomes 0.00001 and 0.00008; ExAC 0.00010; gnomAD 0.00044 and 0.00049; TOPMed 0.00048; ESP Exome Variant Server 0.00062.
gnomAD v4.1: 90 of 1,613,272 alleles (0.0056%); highest among the groups gnomAD compares: African/African-American, 0.11%; no homozygotes.

Submissions (3):

Ambry Genetics
Classification: Uncertain significance for Inborn genetic diseases. Last evaluated: 2025-04-12. Review status: criteria provided, single submitter. Criteria: Ambry Variant Classification Scheme 2023. Collection method: clinical testing. Allele origin: germline.

Revvity Omics, Revvity
Classification: Uncertain significance for Myasthenic syndrome, congenital, 22. Last evaluated: 2023-01-23. Review status: criteria provided, single submitter. Criteria: ACMG Guidelines, 2015. Collection method: clinical testing. Allele origin: germline.

Labcorp Genetics (formerly Invitae), Labcorp
Classification: Uncertain significance for Myasthenic syndrome, congenital, 22. Last evaluated: 2022-08-06. Review status: criteria provided, single submitter. Criteria: Invitae Variant Classification Sherloc (09022015). Collection method: clinical testing. Allele origin: germline.
Comment: This sequence change replaces lysine, which is basic and polar, with asparagine, which is neutral and polar, at codon 239 of the PREPL protein (p.Lys239Asn). This variant is present in population databases (rs142981913, gnomAD 0.1%). This variant has not been reported in the literature in individuals affected with PREPL-related conditions. ClinVar contains an entry for this variant (Variation ID: 544537). Algorithms developed to predict the effect of missense changes on protein structure and function (SIFT, PolyPhen-2, Align-GVGD) all suggest that this variant is likely to be tolerated. In summary, the available evidence is currently insufficient to determine the role of this variant in disease. Therefore, it has been classified as a Variant of Uncertain Significance.

NM_001171613.2(PREPL):c.450A>C (p.Lys150Asn)

Gene: PREPL (prolyl endopeptidase like; minus strand). Cytogenetic location: 2p21.
Variant type: single nucleotide variant.
Coding change: c.450A>C on transcript NM_001171613.2 (MANE Select); coding-DNA position 450, A replaced by C.
Protein change: p.Lys150Asn; replaces lysine 150 with asparagine.
Molecular consequence: missense variant.
Genome position (GRCh38, 1-based): chr2:44,342,452, T>G on the plus strand (A>C on the coding strand, the complement: PREPL is on the minus strand). VCF-style: chr2-44342452-T-G. GRCh37 (hg19) VCF-style: chr2-44569591-T-G.
Other names: c.717A>C, p.Lys239Asn (NM_006036.4, NM_001042385.2, NM_001042386.2 and 4 more transcripts); c.450A>C, p.Lys150Asn (NM_001171617.1, NM_001374277.1); short protein forms K239N, K150N.
Identifiers: ClinVar variation 544537 (VCV000544537.10), dbSNP rs142981913, ClinGen allele CA1641475.